The following is an entry in ClinVar:

ClinVar aggregate classification (germline): Pathogenic/Likely pathogenic. Review status: criteria provided, multiple submitters, no conflicts (2 of 4 stars). 8 submissions from 8 submitters: Pathogenic (2); Likely pathogenic (3). 3 of the submissions do not count toward it. Last evaluated 2026-01-26.

Conditions:
Ceroid lipofuscinosis, neuronal, 6B (Kufs type). Also called: Neuronal ceroid lipofuscinosis 4A. Identifiers: Orphanet 700477, MedGen C5561927, MONDO:0008768, OMIM 204300.
Ceroid lipofuscinosis, neuronal, 6A. Also called: Neuronal ceroid lipofuscinosis, Gypsy/Indian early juvenile variant; Neuronal ceroid lipofuscinosis 6; CLN6-Related Neuronal Ceroid-Lipofuscinosis; Neuronal ceroid lipofuscinosis, late infantile, variant. Identifiers: Orphanet 168491, Orphanet 228363, MedGen C5551375, MONDO:0011144, OMIM 601780.
Neuronal ceroid lipofuscinosis. Also called: Neuronal Ceroid Lipofuscinoses. Identifiers: Orphanet 216, Orphanet 79263, MedGen C0027877, MONDO:0016295. Disease mechanism: loss of function.

Allele frequency attached by ClinVar (database versions not stated): gnomAD 0.00001 and 0.00002; gnomAD exomes 0.00001 and 0.00002; TOPMed 0.00002; ExAC 0.00003.
gnomAD v4.1: 11 of 1,613,410 alleles (0.00068%); highest among the groups gnomAD compares: Admixed American, 0.0067%; no homozygotes.

Submissions (8):

Labcorp Genetics (formerly Invitae), Labcorp
Classification: Pathogenic for Neuronal ceroid lipofuscinosis. Last evaluated: 2026-01-26. Review status: criteria provided, single submitter. Criteria: Invitae Variant Classification Sherloc (09022015). Collection method: clinical testing. Allele origin: germline.
Comment: This sequence change replaces arginine, which is basic and polar, with glutamine, which is neutral and polar, at codon 103 of the CLN6 protein (p.Arg103Gln). This variant is present in population databases (rs154774634, gnomAD 0.007%). This missense change has been observed in individuals with clinical features of neuronal ceroid lipofuscinosis (PMID: 21549341, 30561534, 35505348). It has also been observed to segregate with disease in related individuals. ClinVar contains an entry for this variant (Variation ID: 30600). Invitae Evidence Modeling of protein sequence and biophysical properties (such as structural, functional, and spatial information, amino acid conservation, physicochemical variation, residue mobility, and thermodynamic stability) indicates that this missense variant is not expected to disrupt CLN6 protein function with a negative predictive value of 80%. This variant disrupts the p.Arg103 amino acid residue in CLN6. Other variant(s) that disrupt this residue have been determined to be pathogenic (PMID: 18846690, 27903347). This suggests that this residue is clinically significant, and that variants that disrupt this residue are likely to be disease-causing. For these reasons, this variant has been classified as Pathogenic.

Natera, Inc.
Classification: Likely pathogenic for Ceroid lipofuscinosis, neuronal, 6A. Last evaluated: 2025-11-26. Review status: criteria provided, single submitter. Criteria: Natera Variant Classification Schema (03/2026). Collection method: clinical testing. Allele origin: germline.
Comment: The c.308G>A variant in CLN6 is a missense variant predicted to cause substitution of arginine to glutamine at amino acid 103. This variant is rare in the general population with a frequency below the threshold expected for the associated phenotype(s). This variant has been observed in one or more individuals affected with the associated recessive disease, as either homozygous or compound heterozygous with a second variant (PMID: 30561534, 35505348, 21549341). This variant has been observed to segregate in affected family members (PMID: 21549341). A different variant at the same position has been determined to be Pathogenic or Likely Pathogenic. Computational prediction algorithms indicate this variant is likely to affect gene or protein function. Given the available evidence, this variant is classified as Likely Pathogenic.

Women's Health and Genetics/Laboratory Corporation of America, LabCorp
Classification: Pathogenic for Neuronal ceroid lipofuscinosis. Last evaluated: 2024-08-15. Review status: criteria provided, single submitter. Criteria: LabCorp Variant Classification Summary - May 2015. Collection method: clinical testing. Allele origin: germline.
Comment: Variant summary: CLN6 c.308G>A (p.Arg103Gln) results in a conservative amino acid change in the encoded protein sequence. Four of five in-silico tools predict a damaging effect of the variant on protein function. The variant allele was found at a frequency of 1.6e-05 in 250396 control chromosomes. c.308G>A has been reported in the literature in compound heterozygous individuals affected with Neuronal Ceroid-Lipofuscinosis (Batten Disease) and this variant was co-segregated with disease (example: Arsov_ 2011, Berkovic_2019. Rus_2022). These data indicate that the variant is likely to be associated with disease. Additionally, another missense variant at the same codon, R103W, has been found in patients with Neuronal Ceroid-Lipofuscinosis in the Human Gene Mutation Database, indicating the arginine residue is critical for CLN6 protein function. To our knowledge, no experimental evidence demonstrating an impact on protein function has been reported. The following publications have been ascertained in the context of this evaluation (PMID: 21549341, 30561534, 35505348). ClinVar contains an entry for this variant (Variation ID: 30600). Based on the evidence outlined above, the variant was classified as likely pathogenic.

Fulgent Genetics
Classification: Likely pathogenic for Ceroid lipofuscinosis, neuronal, 6B (Kufs type); Ceroid lipofuscinosis, neuronal, 6A. Last evaluated: 2024-05-30. Review status: criteria provided, single submitter. Criteria: ACMG Guidelines, 2015. Collection method: clinical testing. Allele origin: germline.

Revvity Omics, Revvity
Classification: Likely pathogenic. Last evaluated: 2021-10-15. Review status: criteria provided, single submitter. Criteria: ACMG Guidelines, 2015. Collection method: clinical testing. Allele origin: germline.

Counsyl
Classification: Uncertain significance for Ceroid lipofuscinosis, neuronal, 6A. Last evaluated: 2017-05-01. Review status: no assertion criteria provided. Collection method: clinical testing. Allele origin: unknown. Not counted in ClinVar's aggregate classification.

OMIM
Classification: Pathogenic for CEROID LIPOFUSCINOSIS, NEURONAL, 6B (KUFS TYPE). Last evaluated: 2011-05-13. Review status: no assertion criteria provided. Collection method: literature only. Allele origin: germline. Not counted in ClinVar's aggregate classification.

SNPedia
No classification provided. Review status: no classification provided. Collection method: not provided. Allele origin: germline. Not counted in ClinVar's aggregate classification.
Comment: Kufs Type A disease

Literature cited by the submitters: PubMed 21549341 (cited by 5 submitters); PubMed 30561534 (cited by 3 submitters); PubMed 35505348 (cited by 3 submitters); PubMed 18846690 (cited by Labcorp Genetics (formerly Invitae), Labcorp); PubMed 27903347 (cited by Labcorp Genetics (formerly Invitae), Labcorp).

NM_017882.3(CLN6):c.308G>A (p.Arg103Gln)

Gene: CLN6 (CLN6 transmembrane ER protein; minus strand). Cytogenetic location: 15q23.
Variant type: single nucleotide variant.
Coding change: c.308G>A on transcript NM_017882.3 (MANE Select); coding-DNA position 308, G replaced by A.
Protein change: p.Arg103Gln; replaces arginine 103 with glutamine.
Molecular consequence: missense variant.
Genome position (GRCh38, 1-based): chr15:68,211,853, C>T on the plus strand (G>A on the coding strand, the complement: CLN6 is on the minus strand). VCF-style: chr15-68211853-C-T. GRCh37 (hg19) VCF-style: chr15-68504191-C-T.
Other names: short protein forms R103Q.
Identifiers: ClinVar variation 30600 (VCV000030600.20), dbSNP rs154774634, ClinGen allele CA259851.